The following is an entry in ClinVar:

ClinVar aggregate classification (germline): Uncertain significance (1 of 4 stars; one submission).

Submission:

Labcorp Genetics (formerly Invitae), Labcorp
Classification: Uncertain significance. Last evaluated: 2025-01-27. Review status: criteria provided, single submitter. Criteria: Invitae Variant Classification Sherloc (09022015). Collection method: clinical testing. Allele origin: germline.
Comment: This sequence change replaces glutamic acid, which is acidic and polar, with glutamine, which is neutral and polar, at codon 710 of the LRP5 protein (p.Glu710Gln). This variant is not present in population databases (gnomAD no frequency). This variant has not been reported in the literature in individuals affected with LRP5-related conditions. Invitae Evidence Modeling of protein sequence and biophysical properties (such as structural, functional, and spatial information, amino acid conservation, physicochemical variation, residue mobility, and thermodynamic stability) indicates that this missense variant is not expected to disrupt LRP5 protein function with a negative predictive value of 95%. In summary, the available evidence is currently insufficient to determine the role of this variant in disease. Therefore, it has been classified as a Variant of Uncertain Significance.

NM_002335.4(LRP5):c.2128G>C (p.Glu710Gln)

Gene: LRP5 (LDL receptor related protein 5; plus strand). Cytogenetic location: 11q13.2.
Variant type: single nucleotide variant.
Coding change: c.2128G>C on transcript NM_002335.4 (MANE Select); coding-DNA position 2128, G replaced by C.
Protein change: p.Glu710Gln; replaces glutamic acid 710 with glutamine.
Molecular consequence: missense variant.
Genome position (GRCh38, 1-based): chr11:68,409,950, G>C. VCF-style: chr11-68409950-G-C. GRCh37 (hg19) VCF-style: chr11-68177418-G-C.
Other names: c.385G>C, p.Glu129Gln (NM_001291902.2); short protein forms E129Q, E710Q.
Identifiers: ClinVar variation 3634236 (VCV003634236.2).